The following is an entry in ClinVar:

NM_005739.4(RASGRP1):c.497G>A (p.Cys166Tyr)

Gene: RASGRP1 (RAS guanyl releasing protein 1; minus strand). Cytogenetic location: 15q14.
Variant type: single nucleotide variant.
Coding change: c.497G>A on transcript NM_005739.4 (MANE Select); coding-DNA position 497, G replaced by A.
Protein change: p.Cys166Tyr; replaces cysteine 166 with tyrosine.
Molecular consequence: missense variant.
Genome position (GRCh38, 1-based): chr15:38,518,316, C>T on the plus strand (G>A on the coding strand, the complement: RASGRP1 is on the minus strand). VCF-style: chr15-38518316-C-T. GRCh37 (hg19) VCF-style: chr15-38810517-C-T.
Other names: c.497G>A, p.Cys166Tyr (NM_001128602.2, NM_001306086.2); short protein forms C166Y.
Identifiers: ClinVar variation 1450063 (VCV001450063.7), dbSNP rs368861027, ClinGen allele CA7471102.
Genomic context (GRCh38, chr15:38,518,316, plus strand): 5'-TGGTTTCGAAAGATGAGTCAAGACCTTGACACTCACATTTGAGTTGTGTCAATCAGGCGG[C>T]AATGTAACTCCTCACCCTTAGCTTTCACCAGTTCCTGAAACTCCTCCATAGTGTCTGTCA-3'
Protein context (NP_005730.2, residues 156-176): LVKAKGEELH[Cys166Tyr]RLIDTTQINA

ClinVar aggregate classification (germline): Uncertain significance (1 of 4 stars; one submission).

Allele frequency attached by ClinVar (database versions not stated): gnomAD exomes below 0.00001 and 0.00001; TOPMed below 0.00001; gnomAD 0.00001; ExAC 0.00002; ESP Exome Variant Server 0.00008.
gnomAD v4.1: 4 of 1,610,356 alleles (0.00025%); highest among the groups gnomAD compares: South Asian, 0.0022%; no homozygotes.

Submission:

Labcorp Genetics (formerly Invitae), Labcorp
Classification: Uncertain significance. Last evaluated: 2022-07-06. Review status: criteria provided, single submitter. Criteria: Invitae Variant Classification Sherloc (09022015). Collection method: clinical testing. Allele origin: germline.
Comment: In summary, the available evidence is currently insufficient to determine the role of this variant in disease. Therefore, it has been classified as a Variant of Uncertain Significance. Algorithms developed to predict the effect of missense changes on protein structure and function (SIFT, PolyPhen-2, Align-GVGD) all suggest that this variant is likely to be tolerated. ClinVar contains an entry for this variant (Variation ID: 1450063). This variant has not been reported in the literature in individuals affected with RASGRP1-related conditions. The frequency data for this variant in the population databases is considered unreliable, as metrics indicate poor data quality at this position in the gnomAD database. This sequence change replaces cysteine, which is neutral and slightly polar, with tyrosine, which is neutral and polar, at codon 166 of the RASGRP1 protein (p.Cys166Tyr).